The following is an entry in ClinVar:

ClinVar aggregate classification (germline): Uncertain significance. Review status: criteria provided, multiple submitters, no conflicts (2 of 4 stars). 2 submissions from 2 submitters: Uncertain significance (2). Last evaluated 2025-08-24.

Allele frequency attached by ClinVar (database versions not stated): gnomAD exomes below 0.00001; gnomAD 0.00003; ESP Exome Variant Server 0.00015; TOPMed 0.00008; ExAC 0.00001.
gnomAD v4.1: 7 of 1,613,294 alleles (0.00043%); highest among the groups gnomAD compares: African/African-American, 0.0053%; no homozygotes.

Submissions (2):

Labcorp Genetics (formerly Invitae), Labcorp
Classification: Uncertain significance. Last evaluated: 2025-08-24. Review status: criteria provided, single submitter. Criteria: Invitae Variant Classification Sherloc (09022015). Collection method: clinical testing. Allele origin: germline.
Comment: This sequence change replaces isoleucine, which is neutral and non-polar, with threonine, which is neutral and polar, at codon 1711 of the HMCN1 protein (p.Ile1711Thr). This variant is present in population databases (rs142870277, gnomAD 0.008%). This variant has not been reported in the literature in individuals affected with HMCN1-related conditions. ClinVar contains an entry for this variant (Variation ID: 2955647). An algorithm developed to predict the effect of missense changes on protein structure and function outputs the following: PolyPhen-2: "Benign". The threonine amino acid residue is found in multiple mammalian species, which suggests that this missense change does not adversely affect protein function. In summary, the available evidence is currently insufficient to determine the role of this variant in disease. Therefore, it has been classified as a Variant of Uncertain Significance.

Ambry Genetics
Classification: Uncertain significance. Last evaluated: 2024-01-23. Review status: criteria provided, single submitter. Criteria: Ambry Variant Classification Scheme 2023. Collection method: clinical testing. Allele origin: germline.

NM_031935.3(HMCN1):c.5132T>C (p.Ile1711Thr)

Gene: HMCN1 (hemicentin 1; plus strand). Cytogenetic location: 1q31.1.
Variant type: single nucleotide variant.
Coding change: c.5132T>C on transcript NM_031935.3 (MANE Select); coding-DNA position 5132, T replaced by C.
Protein change: p.Ile1711Thr; replaces isoleucine 1711 with threonine.
Molecular consequence: missense variant.
Genome position (GRCh38, 1-based): chr1:186,016,180, T>C. VCF-style: chr1-186016180-T-C. GRCh37 (hg19) VCF-style: chr1-185985312-T-C.
Other names: c.5132T>C (NM_031935.2); short protein forms I1711T.
Identifiers: ClinVar variation 2955647 (VCV002955647.4), dbSNP rs142870277, ClinGen allele CA1292184.
Genomic context (GRCh38, chr1:186,016,180, plus strand): 5'-AAGCTGGTGGGAAGAAACTCGAAATCATGAGTGCCCAAGAAATTGATCGAGGACAGTACA[T>C]ATGCGTGGCTACCAGTGTGGCAGGAGAAAAGGAAATCAAATATGAAGTTGATGTCTTGGG-3'
Protein context (NP_114141.2, residues 1701-1721): SAQEIDRGQY[Ile1711Thr]CVATSVAGEK